The following is an entry in ClinVar:

NM_017671.5(FERMT1):c.1264+1G>T

Gene: FERMT1 (FERM domain containing kindlin 1; minus strand). Cytogenetic location: 20p12.3.
Variant type: single nucleotide variant.
Coding change: c.1264+1G>T on transcript NM_017671.5 (MANE Select); the canonical splice donor site of the intron after coding-DNA position 1264, G replaced by T.
Molecular consequence: splice donor variant.
Genome position (GRCh38, 1-based): chr20:6,088,964, C>A on the plus strand (G>T on the coding strand, the complement: FERMT1 is on the minus strand). VCF-style: chr20-6088964-C-A. GRCh37 (hg19) VCF-style: chr20-6069611-C-A.
Identifiers: ClinVar variation 5006395 (VCV005006395.2).

ClinVar aggregate classification (germline): Likely pathogenic (1 of 4 stars; one submission).

Conditions:
Kindler syndrome (KNDLRS). Also called: BULLOUS ACROKERATOTIC POIKILODERMA OF KINDLER AND WEARY; Hereditary acrokeratotic poikiloderma of Weary; POIKILODERMA, CONGENITAL, WITH BULLAE, WEARY TYPE; POIKILODERMA, HEREDITARY ACROKERATOTIC; Poikiloderma of Kindler; Congenital bullous poikiloderma. Identifiers: Orphanet 2908, Orphanet 306539, MedGen C0406557, MONDO:0008260, OMIM 173650.

gnomAD v4.1: 1 of 1,610,490 alleles (0.000062%); highest among the groups gnomAD compares: Non-Finnish European, 0.000085%; no homozygotes.

Submission:

Juno Genomics, Hangzhou Juno Genomics, Inc
Classification: Likely pathogenic for Kindler syndrome. Review status: criteria provided, single submitter. Criteria: ACMG Guidelines, 2015. Collection method: clinical testing. Allele origin: germline.
Comment: Null variant in a gene where loss of function (LOF) is a known mechanism of disease.;Absent from controls (or at extremely low frequency if recessive) in Genome Aggregation Database.